The following is an entry in ClinVar:

NM_006015.6(ARID1A):c.5061A>G (p.Ala1687=)

Gene: ARID1A (AT-rich interaction domain 1A; plus strand). Cytogenetic location: 1p36.11.
Variant type: single nucleotide variant.
Coding change: c.5061A>G on transcript NM_006015.6 (MANE Select); coding-DNA position 5061, A replaced by G.
Protein change: p.Ala1687=; no amino-acid change (alanine 1687 retained).
Molecular consequence: synonymous variant.
Genome position (GRCh38, 1-based): chr1:26,775,644, A>G. VCF-style: chr1-26775644-A-G. GRCh37 (hg19) VCF-style: chr1-27102135-A-G.
Other names: c.4410A>G, p.Ala1470= (NM_139135.4).
Identifiers: ClinVar variation 2964033 (VCV002964033.8), dbSNP rs577286634, ClinGen allele CA707589.

ClinVar aggregate classification (germline): Likely benign. Review status: criteria provided, multiple submitters, no conflicts (2 of 4 stars). 2 submissions from 2 submitters: Likely benign (2). Last evaluated 2025-11-01.

Allele frequency attached by ClinVar (database versions not stated): ExAC 0.00001; gnomAD exomes 0.00001; TOPMed 0.00001; gnomAD 0.00002; 1000 Genomes Project 30x 0.00016; 1000 Genomes Project 0.00020.
gnomAD v4.1: 21 of 1,614,208 alleles (0.0013%); highest among the groups gnomAD compares: Admixed American, 0.035%; no homozygotes.

Submissions (2):

CeGaT Center for Human Genetics Tuebingen
Classification: Likely benign. Last evaluated: 2025-11-01. Review status: criteria provided, single submitter. Criteria: CeGaT Center For Human Genetics Tuebingen Variant Classification Criteria Version 2. Collection method: clinical testing. Allele origin: germline. Affected: yes. Observed: 1 variant allele.
Comment: ARID1A: BP4, BP7

Labcorp Genetics (formerly Invitae), Labcorp
Classification: Likely benign. Last evaluated: 2025-05-01. Review status: criteria provided, single submitter. Criteria: Invitae Variant Classification Sherloc (09022015). Collection method: clinical testing. Allele origin: germline.